The following is an entry in ClinVar:

NM_003184.4(TAF2):c.1497C>T (p.Ser499=)

Gene: TAF2 (TATA-box binding protein associated factor 2; minus strand). Cytogenetic location: 8q24.12.
Variant type: single nucleotide variant.
Coding change: c.1497C>T on transcript NM_003184.4 (MANE Select); coding-DNA position 1497, C replaced by T.
Protein change: p.Ser499=; no amino-acid change (serine 499 retained).
Molecular consequence: synonymous variant.
Genome position (GRCh38, 1-based): chr8:119,789,663, G>A on the plus strand (C>T on the coding strand, the complement: TAF2 is on the minus strand). VCF-style: chr8-119789663-G-A. GRCh37 (hg19) VCF-style: chr8-120801903-G-A.
Other names: c.1497C>T, p.Ser499= (NM_001437338.1, NM_001437339.1, NM_001438084.1).
Identifiers: ClinVar variation 4821552 (VCV004821552.4).

ClinVar aggregate classification (germline): Likely benign (1 of 4 stars; one submission).

gnomAD v4.1: 2 of 1,613,774 alleles (0.00012%); highest among the groups gnomAD compares: Non-Finnish European, 0.00017%; no homozygotes.

Submission:

CeGaT Center for Human Genetics Tuebingen
Classification: Likely benign. Last evaluated: 2026-02-01. Review status: criteria provided, single submitter. Criteria: CeGaT Center For Human Genetics Tuebingen Variant Classification Criteria Version 2. Collection method: clinical testing. Allele origin: germline. Affected: yes. Observed: 1 variant allele.
Comment: TAF2: BP4, BP7